The following is an entry in ClinVar:

NM_053025.4(MYLK):c.382_383delinsCT (p.Ala128Leu)

Gene: MYLK (myosin light chain kinase; minus strand). Cytogenetic location: 3q21.1.
Variant type: Indel.
Coding change: c.382_383delinsCT on transcript NM_053025.4 (MANE Select); coding-DNA positions 382 to 383, GC replaced by CT.
Protein change: p.Ala128Leu; replaces alanine 128 with leucine.
Molecular consequence: missense variant. On other transcripts: 5 prime UTR variant (1).
Genome position (GRCh38, 1-based): chr3:123,739,992-123,739,993, GC replaced by AG on the plus strand (GC replaced by CT on the coding strand, the reverse complement: MYLK is on the minus strand). VCF-style: chr3-123739992-GC-AG. GRCh37 (hg19) VCF-style: chr3-123458839-GC-AG.
Other names: c.-147_-146delinsCT (NM_001321309.2); c.382_383delinsCT, p.Ala128Leu (NM_053026.4, NM_053027.4, NM_053028.4); short protein forms A128L.
Identifiers: ClinVar variation 2745236 (VCV002745236.3), dbSNP rs2474635241, ClinGen allele CA2697556808.
Genomic context (GRCh38, chr3:123,739,992, plus strand): 5'-TCTTGAACATCCAGGACTTACCCTAAGGTTTTGGAAACAACAGGCTGACCAAGCTGCTTC[GC>AG]AAAACTTCCTGCAAGAAAAAGAGTTGATGAGTCAGGTCTGAGCCACCAACTTGGAGCAAT-3'
Protein context (NP_444253.3, residues 118-138): TVELTVEGSF[Ala128Leu]KQLGQPVVSK

ClinVar aggregate classification (germline): Uncertain significance (1 of 4 stars; one submission).

Conditions:
Aortic aneurysm, familial thoracic 7 (AAT7). Also called: AORTIC DISSECTION, FAMILIAL, WITH OR WITHOUT AORTIC ANEURYSM. Identifiers: MedGen C3151077, MONDO:0013418, OMIM 613780.

Submission:

Labcorp Genetics (formerly Invitae), Labcorp
Classification: Uncertain significance for Aortic aneurysm, familial thoracic 7. Last evaluated: 2023-07-21. Review status: criteria provided, single submitter. Criteria: Invitae Variant Classification Sherloc (09022015). Collection method: clinical testing. Allele origin: germline.
Comment: This sequence change replaces alanine, which is neutral and non-polar, with leucine, which is neutral and non-polar, at codon 128 of the MYLK protein (p.Ala128Leu). Information on the frequency of this variant in the gnomAD database is not available, as this variant may be reported differently in the database. This variant has not been reported in the literature in individuals affected with MYLK-related conditions. An algorithm developed to predict the effect of missense changes on protein structure and function (PolyPhen-2) suggests that this variant is likely to be tolerated. In summary, the available evidence is currently insufficient to determine the role of this variant in disease. Therefore, it has been classified as a Variant of Uncertain Significance.